The following is an entry in ClinVar:

ClinVar aggregate classification (germline): Uncertain significance. Review status: criteria provided, multiple submitters, no conflicts (2 of 4 stars). 2 submissions from 2 submitters: Uncertain significance (2). Last evaluated 2023-12-04.

Conditions:
Familial adenomatous polyposis 1 (FAP1). Also called: FAMILIAL ADENOMATOUS POLYPOSIS 1, ATTENUATED; POLYPOSIS, ADENOMATOUS INTESTINAL. Identifiers: MedGen C2713442, MONDO:0021056, OMIM 175100. Disease mechanism: loss of function.
Hereditary cancer-predisposing syndrome. Also called: Neoplastic Syndromes, Hereditary; Tumor predisposition; Hereditary Cancer Syndrome; Hereditary neoplastic syndrome. Identifiers: Orphanet 140162, MedGen C0027672, MeSH D009386, MONDO:0015356.

Allele frequency attached by ClinVar (database versions not stated): gnomAD exomes below 0.00001.
gnomAD v4.1: 1 of 1,614,106 alleles (0.000062%); highest among the groups gnomAD compares: South Asian, 0.0011%; no homozygotes.

Submissions (2):

Color Diagnostics, LLC DBA Color Health
Classification: Uncertain significance for Hereditary cancer-predisposing syndrome. Last evaluated: 2023-12-04. Review status: criteria provided, single submitter. Criteria: ACMG Guidelines, 2015. Collection method: clinical testing. Allele origin: germline.
Comment: This missense variant replaces proline with arginine at codon 1526 of the APC protein. Computational prediction is inconclusive regarding the impact of this variant on protein structure and function (internally defined REVEL score threshold 0.5 < inconclusive < 0.7, PMID: 27666373). To our knowledge, functional studies have not been reported for this variant. This variant has not been reported in individuals affected with APC-related disorders in the literature. This variant has been identified in 1/250432 chromosomes in the general population by the Genome Aggregation Database (gnomAD). The available evidence is insufficient to determine the role of this variant in disease conclusively. Therefore, this variant is classified as a Variant of Uncertain Significance.

Labcorp Genetics (formerly Invitae), Labcorp
Classification: Uncertain significance for Familial adenomatous polyposis 1. Last evaluated: 2021-07-12. Review status: criteria provided, single submitter. Criteria: Invitae Variant Classification Sherloc (09022015). Collection method: clinical testing. Allele origin: germline.
Comment: This variant is not present in population databases (ExAC no frequency). This sequence change replaces proline with arginine at codon 1526 of the APC protein (p.Pro1526Arg). The proline residue is highly conserved and there is a moderate physicochemical difference between proline and arginine. In summary, the available evidence is currently insufficient to determine the role of this variant in disease. Therefore, it has been classified as a Variant of Uncertain Significance. Algorithms developed to predict the effect of missense changes on protein structure and function are either unavailable or do not agree on the potential impact of this missense change (SIFT: "Deleterious"; PolyPhen-2: "Probably Damaging"; Align-GVGD: "Class C0"). ClinVar contains an entry for this variant (Variation ID: 924633). This variant has not been reported in the literature in individuals affected with APC-related conditions.

NM_000038.6(APC):c.4577C>G (p.Pro1526Arg)

Gene: APC (APC regulator of Wnt signaling pathway; plus strand). Cytogenetic location: 5q22.2.
Variant type: single nucleotide variant.
Coding change: c.4577C>G on transcript NM_000038.6 (MANE Select); coding-DNA position 4577, C replaced by G.
Protein change: p.Pro1526Arg; replaces proline 1526 with arginine.
Molecular consequence: missense variant.
Genome position (GRCh38, 1-based): chr5:112,840,171, C>G. VCF-style: chr5-112840171-C-G. GRCh37 (hg19) VCF-style: chr5-112175868-C-G.
Other names: c.4577C>G, p.Pro1526Arg (NM_001127510.3, NM_001354895.2); c.4523C>G, p.Pro1508Arg (NM_001127511.3); c.4631C>G, p.Pro1544Arg (NM_001354896.2); c.4607C>G, p.Pro1536Arg (NM_001354897.2); c.4502C>G, p.Pro1501Arg (NM_001354898.2); c.4493C>G, p.Pro1498Arg (NM_001354899.2); c.4454C>G, p.Pro1485Arg (NM_001354900.2); c.4400C>G, p.Pro1467Arg (NM_001354901.2); and 5 more; short protein forms P1243R, P1508R, P1400R, P1467R, P1526R, P1425R, P1435R, P1536R.
Identifiers: ClinVar variation 924633 (VCV000924633.12), dbSNP rs1325776789, ClinGen allele CA16031356.
Genomic context (GRCh38, chr5:112,840,171, plus strand): 5'-TGAGTGCTCTGAGCCTCGATGAGCCATTTATACAGAAAGATGTGGAATTAAGAATAATGC[C>G]TCCAGTTCAGGAAAATGACAATGGGAATGAAACAGAATCAGAGCAGCCTAAAGAATCAAA-3'
Protein context (NP_000029.2, residues 1516-1536): IQKDVELRIM[Pro1526Arg]PVQENDNGNE